The following is an entry in ClinVar:

ClinVar aggregate classification (germline): Conflicting classifications of pathogenicity. Review status: criteria provided, conflicting classifications (1 of 4 stars). 2 submissions from 2 submitters: Uncertain significance (1); Likely benign (1). Last evaluated 2023-10-06.

Conditions:
Catecholaminergic polymorphic ventricular tachycardia (CVPT). Also called: Catecholamine-induced polymorphic ventricular tachycardia. Identifiers: Orphanet 3286, MedGen C5574922, MONDO:0017990.

Submissions (2):

All of Us Research Program, National Institutes of Health
Classification: Uncertain significance for Catecholaminergic polymorphic ventricular tachycardia. Last evaluated: 2023-10-06. Review status: criteria provided, single submitter. Criteria: ACMG Guidelines, 2015. Collection method: clinical testing. Allele origin: germline. Inheritance: Autosomal dominant inheritance. Observed: 1 variant allele, 1 heterozygote.
Comment: This variant causes a deletion of one nucleotide in intron 62 of the RYR2 gene. To our knowledge, functional studies have not been reported for this variant. This variant has not been reported in individuals affected with RYR2-related disorders in the literature. This variant has not been identified in the general population by the Genome Aggregation Database (gnomAD). The available evidence is insufficient to determine the role of this variant in disease conclusively. Therefore, this variant is classified as a Variant of Uncertain Significance.

This study involves interpretation of variants in research participants for the purpose of population health screening. Participant phenotype was not available at the time of variant classification. Additional details can be found in publication PMID: 35346344, PMCID: PMC8962531

Labcorp Genetics (formerly Invitae), Labcorp
Classification: Likely benign for Catecholaminergic polymorphic ventricular tachycardia 1. Last evaluated: 2018-07-10. Review status: criteria provided, single submitter. Criteria: Invitae Variant Classification Sherloc (09022015). Collection method: clinical testing. Allele origin: germline.

NM_001035.3(RYR2):c.9018-6del

Gene: RYR2 (ryanodine receptor 2; plus strand). Cytogenetic location: 1q43.
Variant type: Deletion.
Coding change: c.9018-6del on transcript NM_001035.3 (MANE Select); 6 bases into the intron before coding-DNA position 9018, one base deleted (C; older notation c.9018-6delC).
Molecular consequence: intron variant.
Genome position (GRCh38, 1-based): chr1:237,687,449, C deleted. VCF-style (leftmost placement, unchanged base first): chr1-237687448-TC-T. GRCh37 (hg19) VCF-style: chr1-237850748-TC-T.
Identifiers: ClinVar variation 741850 (VCV000741850.8), dbSNP rs1573523409, ClinGen allele CA915942094.